The following is an entry in ClinVar:

ClinVar aggregate classification (germline): Uncertain significance (1 of 4 stars; one submission).

Conditions:
Hereditary cancer-predisposing syndrome. Also called: Tumor predisposition; Hereditary neoplastic syndrome; Hereditary Cancer Syndrome; Neoplastic Syndromes, Hereditary. Identifiers: Orphanet 140162, MedGen C0027672, MeSH D009386, MONDO:0015356.

Submission:

Ambry Genetics
Classification: Uncertain significance for Hereditary cancer-predisposing syndrome. Last evaluated: 2025-05-02. Review status: criteria provided, single submitter. Criteria: Ambry Variant Classification Scheme 2023. Collection method: clinical testing. Allele origin: germline.
Comment: The p.E673G variant (also known as c.2018A>G), located in coding exon 11 of the RET gene, results from an A to G substitution at nucleotide position 2018. The glutamic acid at codon 673 is replaced by glycine, an amino acid with similar properties. This amino acid position is conserved. In addition, this alteration is predicted to be deleterious by in silico analysis. Based on the available evidence, the clinical significance of this variant remains unclear.

NM_020975.6(RET):c.2018A>G (p.Glu673Gly)

Gene: RET (ret proto-oncogene; plus strand). Cytogenetic location: 10q11.21.
Variant type: single nucleotide variant.
Coding change: c.2018A>G on transcript NM_020975.6 (MANE Select); coding-DNA position 2018, A replaced by G.
Protein change: p.Glu673Gly; replaces glutamic acid 673 with glycine.
Molecular consequence: missense variant.
Genome position (GRCh38, 1-based): chr10:43,114,618, A>G. VCF-style: chr10-43114618-A-G. GRCh37 (hg19) VCF-style: chr10-43610066-A-G.
Other names: c.1292A>G, p.Glu431Gly (NM_001406777.1, NM_001406778.1, NM_001406775.1 and 1 more transcripts); c.1121A>G, p.Glu374Gly (NM_001406779.1, NM_001406780.1, NM_001406781.1 and 1 more transcripts); c.992A>G, p.Glu331Gly (NM_001406783.1, NM_001406786.1); c.1028A>G, p.Glu343Gly (NM_001406784.1); c.1001A>G, p.Glu334Gly (NM_001406785.1); c.2018A>G, p.Glu673Gly (NM_020630.7, NM_001406743.1, NM_001406744.1 and 2 more transcripts); c.1256A>G, p.Glu419Gly (NM_001355216.2); c.1889A>G, p.Glu630Gly (NM_001406761.1, NM_001406762.1, NM_001406764.1); and 10 more; short protein forms E238G, E278G, E334G, E419G, E527G, E577G, E628G, E190G.
Identifiers: ClinVar variation 3944699 (VCV003944699.1).